The following is an entry in ClinVar:

ClinVar aggregate classification (germline): Uncertain significance (1 of 4 stars; one submission).

Conditions:
Inborn genetic diseases. Identifiers: MedGen C0950123, MeSH D030342.

Submission:

Ambry Genetics
Classification: Uncertain significance for Inborn genetic diseases. Last evaluated: 2026-08-02. Review status: criteria provided, single submitter. Criteria: Ambry Variant Classification Scheme 2023. Collection method: clinical testing. Allele origin: germline.
Comment: The p.C1247Y variant (also known as c.3740G>A), located in coding exon 33 of the RTEL1 gene, results from a G to A substitution at nucleotide position 3740. The cysteine at codon 1247 is replaced by tyrosine, an amino acid with highly dissimilar properties. This amino acid position is conserved. In addition, the in silico prediction for this alteration is inconclusive. Based on the available evidence, the clinical significance of this variant remains unclear.

NM_001283009.2(RTEL1):c.3740G>A (p.Cys1247Tyr)

Genes: RTEL1 (regulator of telomere elongation helicase 1; plus strand), RTEL1-TNFRSF6B (RTEL1-TNFRSF6B readthrough (NMD candidate); plus strand). Cytogenetic location: 20q13.33.
Variant type: single nucleotide variant.
Coding change: c.3740G>A on transcript NM_001283009.2 (MANE Select); coding-DNA position 3740, G replaced by A.
Protein change: p.Cys1247Tyr; replaces cysteine 1247 with tyrosine.
Molecular consequence: missense variant. On other transcripts: non-coding transcript variant (1), intron variant (3).
Genome position (GRCh38, 1-based): chr20:63,695,568, G>A. VCF-style: chr20-63695568-G-A. GRCh37 (hg19) VCF-style: chr20-62326921-G-A.
Other names: c.2983+88G>A (NM_001283010.1); c.3724+88G>A (NM_032957.5); c.3652+88G>A (NM_016434.4); short protein forms C1247Y.
Identifiers: ClinVar variation 5028499 (VCV005028499.1).
Genomic context (GRCh38, chr20:63,695,568, plus strand): 5'-GGCAGCAGGCCACGGGAGCTCCGGGCGGGCCCCTCTCAGCAGGCTGTGTGTGCCAGGGCT[G>A]TGGGGCAGAGGACGTGGTGCCCTTCCAGTGCCCTGCCTGTGACTTCCAGCGCTGCCAAGC-3'
Protein context (NP_001269938.1, residues 1237-1257): PLSAGCVCQG[Cys1247Tyr]GAEDVVPFQC